The following is an entry in ClinVar:

ClinVar aggregate classification (germline): Likely pathogenic. Review status: criteria provided, multiple submitters, no conflicts (2 of 4 stars). 2 submissions from 2 submitters: Likely pathogenic (2). Last evaluated 2026-04-28.

Conditions:
Inborn genetic diseases. Identifiers: MedGen C0950123, MeSH D030342.
Charcot-Marie-Tooth disease type 2. Also called: Charcot-Marie-Tooth type 2. Identifiers: Orphanet 64746, MedGen C0270914, MONDO:0018993.

Submissions (2):

Wales Gene Park, Division Of Cancer and Genetics, Cardiff University
Classification: Likely pathogenic for Inborn genetic diseases. Last evaluated: 2026-04-28. Review status: criteria provided, single submitter. Criteria: ACGS Best Practice Guidelines for Variant Classification in Rare Disease 2024. Collection method: research. Allele origin: de novo. Inheritance: Autosomal dominant inheritance. Affected: yes. Study: 100,000 Genomes Project (Wales).
Comment: De novo LMNA missense variant detected by trio genome sequencing. Not in gnomAD (v4.1.1). Phenotype consistent with gene but not highly specific. REVEL score 0.859. Constrained gene (gnomAD missense Z score 3.73). Evidence codes: PM2, PP3, PP2, PS2_moderate.

Labcorp Genetics (formerly Invitae), Labcorp
Classification: Likely pathogenic for Charcot-Marie-Tooth disease type 2. Last evaluated: 2019-08-26. Review status: criteria provided, single submitter. Criteria: Invitae Variant Classification Sherloc (09022015). Collection method: clinical testing. Allele origin: germline.
Comment: This sequence change replaces leucine with proline at codon 197 of the LMNA protein (p.Leu197Pro). The leucine residue is highly conserved and there is a moderate physicochemical difference between leucine and proline. This variant is not present in population databases (ExAC no frequency). This variant has been observed in individuals with LMNA-related conditions (PMID: 29237675, Invitae). In at least one individual the variant was observed to be de novo. Algorithms developed to predict the effect of missense changes on protein structure and function are either unavailable or do not agree on the potential impact of this missense change (SIFT: "Tolerated"; PolyPhen-2: "Possibly Damaging"; Align-GVGD: "Class C0"). In summary, the currently available evidence indicates that the variant is pathogenic, but additional data are needed to prove that conclusively. Therefore, this variant has been classified as Likely Pathogenic.

Literature cited by the submitters: PubMed 29237675 (cited by Labcorp Genetics (formerly Invitae), Labcorp).

NM_170707.4(LMNA):c.590T>C (p.Leu197Pro)

Gene: LMNA (lamin A/C; plus strand). Cytogenetic location: 1q22.
Variant type: single nucleotide variant.
Coding change: c.590T>C on transcript NM_170707.4 (MANE Select); coding-DNA position 590, T replaced by C.
Protein change: p.Leu197Pro; replaces leucine 197 with proline.
Molecular consequence: missense variant.
Genome position (GRCh38, 1-based): chr1:156,134,479, T>C. VCF-style: chr1-156134479-T-C. GRCh37 (hg19) VCF-style: chr1-156104270-T-C.
Other names: c.254T>C, p.Leu85Pro (NM_001257374.3); c.347T>C, p.Leu116Pro (NM_001282624.2); c.590T>C, p.Leu197Pro (NM_001282625.2, NM_001282626.2, NM_005572.4 and 1 more transcripts); short protein forms L116P, L85P, L197P.
Identifiers: ClinVar variation 939069 (VCV000939069.2), dbSNP rs1651348222, ClinGen allele CA342816986.